The following is an entry in ClinVar:

ClinVar aggregate classification (germline): Benign/Likely benign. Review status: criteria provided, multiple submitters, no conflicts (2 of 4 stars). 4 submissions from 4 submitters: Benign (1); Likely benign (3). Last evaluated 2025-04-30.

Conditions:
Hereditary cancer-predisposing syndrome. Also called: Hereditary Cancer Syndrome; Neoplastic Syndromes, Hereditary; Tumor predisposition; Hereditary neoplastic syndrome. Identifiers: Orphanet 140162, MedGen C0027672, MeSH D009386, MONDO:0015356.
BAP1-related tumor predisposition syndrome (TPDS1). Also called: Tumor susceptibility linked to germline BAP1 mutations; BAP1 tumor predisposition syndrome; COMMON Syndrome; TUMOR PREDISPOSITION SYNDROME 1. Identifiers: Orphanet 289539, MedGen C3280492, MONDO:0013692, OMIM 614327.

Allele frequency attached by ClinVar (database versions not stated): gnomAD exomes below 0.00001; TOPMed below 0.00001.
gnomAD v4.1: 4 of 1,613,976 alleles (0.00025%); highest among the groups gnomAD compares: East Asian, 0.0045%; no homozygotes.

Submissions (4):

Labcorp Genetics (formerly Invitae), Labcorp
Classification: Likely benign for BAP1-related tumor predisposition syndrome. Last evaluated: 2025-04-30. Review status: criteria provided, single submitter. Criteria: Invitae Variant Classification Sherloc (09022015). Collection method: clinical testing. Allele origin: germline.

Myriad Genetics, Inc.
Classification: Benign for BAP1-related tumor predisposition syndrome. Last evaluated: 2024-07-16. Review status: criteria provided, single submitter. Criteria: Myriad Autosomal Dominant, Autosomal Recessive and X-Linked Classification Criteria (2023). Collection method: clinical testing. Allele origin: unknown.
Comment: This variant is considered benign. This variant is a silent/synonymous amino acid change and it is not expected to impact splicing.

Ambry Genetics
Classification: Likely benign for Hereditary cancer-predisposing syndrome. Last evaluated: 2020-06-11. Review status: criteria provided, single submitter. Criteria: Ambry Variant Classification Scheme 2023. Collection method: clinical testing. Allele origin: germline.

Color Diagnostics, LLC DBA Color Health
Classification: Likely benign for Hereditary cancer-predisposing syndrome. Last evaluated: 2017-10-03. Review status: criteria provided, single submitter. Criteria: ACMG Guidelines, 2015. Collection method: clinical testing. Allele origin: germline.

NM_004656.4(BAP1):c.1671C>T (p.Ile557=)

Gene: BAP1 (BRCA1 associated deubiquitinase 1; minus strand). Cytogenetic location: 3p21.1.
Variant type: single nucleotide variant.
Coding change: c.1671C>T on transcript NM_004656.4 (MANE Select); coding-DNA position 1671, C replaced by T.
Protein change: p.Ile557=; no amino-acid change (isoleucine 557 retained).
Molecular consequence: synonymous variant.
Genome position (GRCh38, 1-based): chr3:52,403,474, G>A on the plus strand (C>T on the coding strand, the complement: BAP1 is on the minus strand). VCF-style: chr3-52403474-G-A. GRCh37 (hg19) VCF-style: chr3-52437490-G-A.
Identifiers: ClinVar variation 490803 (VCV000490803.16), dbSNP rs372765585, ClinGen allele CA74740619.